The following is an entry in ClinVar:

NM_001368397.1(FRMPD4):c.1592C>T (p.Thr531Ile)

Gene: FRMPD4 (FERM and PDZ domain containing 4; plus strand). Cytogenetic location: Xp22.2.
Variant type: single nucleotide variant.
Coding change: c.1592C>T on transcript NM_001368397.1 (MANE Select); coding-DNA position 1592, C replaced by T.
Protein change: p.Thr531Ile; replaces threonine 531 with isoleucine.
Molecular consequence: missense variant.
Genome position (GRCh38, 1-based): chrX:12,710,520, C>T. VCF-style: chrX-12710520-C-T. GRCh37 (hg19) VCF-style: chrX-12728639-C-T.
Other names: c.1703C>T, p.Thr568Ile (NM_001368395.3, NM_001368398.3); c.1598C>T, p.Thr533Ile (NM_001368396.3); c.1583C>T, p.Thr528Ile (NM_001368399.3); c.1472C>T, p.Thr491Ile (NM_001368400.3); c.1568C>T, p.Thr523Ile (NM_001368401.1, NM_001368402.3); c.1592C>T, p.Thr531Ile (NM_014728.3); short protein forms T528I, T533I, T523I, T491I, T531I, T568I.
Identifiers: ClinVar variation 2293779 (VCV002293779.3), dbSNP rs2519826555, ClinGen allele CA412009848.
Genomic context (GRCh38, chrX:12,710,520, plus strand): 5'-ACTACCGGCTGCTTGTTGATTCCAGGAGGTCGATATTTAACATGGCCAACAAGAAAAACA[C>T]AGCGACCCAGGAAACAGGTATTCTCTTCCTGAACTCATCAAGCACTGACCTCCCTGCAAA-3'
Protein context (NP_001355326.1, residues 521-541): SIFNMANKKN[Thr531Ile]ATQETGPENK

ClinVar aggregate classification (germline): Uncertain significance. Review status: criteria provided, multiple submitters, no conflicts (2 of 4 stars). 2 submissions from 2 submitters: Uncertain significance (2). Last evaluated 2023-06-11.

Conditions:
Inborn genetic diseases. Identifiers: MedGen C0950123, MeSH D030342.

Allele frequency attached by ClinVar (database versions not stated): gnomAD exomes below 0.00001.
gnomAD v4.1: 1 of 1,207,074 alleles (0.000083%); highest among the groups gnomAD compares: African/African-American, 0.0017%; no homozygotes.

Submissions (2):

GeneDx
Classification: Uncertain significance. Last evaluated: 2023-06-11. Review status: criteria provided, single submitter. Criteria: GeneDx Variant Classification Process June 2021. Collection method: clinical testing. Allele origin: germline. Affected: yes.
Comment: Not observed at significant frequency in large population cohorts (gnomAD); In silico analysis supports that this missense variant does not alter protein structure/function; Has not been previously published as pathogenic or benign to our knowledge

Ambry Genetics
Classification: Uncertain significance for Inborn genetic diseases. Last evaluated: 2022-06-03. Review status: criteria provided, single submitter. Criteria: Ambry Variant Classification Scheme 2023. Collection method: clinical testing. Allele origin: germline.